The following is an entry in ClinVar:

NM_001365536.1(SCN9A):c.530G>C (p.Cys177Ser)

Gene: SCN9A (sodium voltage-gated channel alpha subunit 9; minus strand). Cytogenetic location: 2q24.3.
Variant type: single nucleotide variant.
Coding change: c.530G>C on transcript NM_001365536.1 (MANE Select); coding-DNA position 530, G replaced by C.
Protein change: p.Cys177Ser; replaces cysteine 177 with serine.
Molecular consequence: missense variant.
Genome position (GRCh38, 1-based): chr2:166,305,858, C>G on the plus strand (G>C on the coding strand, the complement: SCN9A is on the minus strand). VCF-style: chr2-166305858-C-G. GRCh37 (hg19) VCF-style: chr2-167162368-C-G.
Other names: c.530G>C, p.Cys177Ser (NM_002977.4); short protein forms C177S.
Identifiers: ClinVar variation 951127 (VCV000951127.10), dbSNP rs201354058, ClinGen allele CA59809262.

ClinVar aggregate classification (germline): Uncertain significance (1 of 4 stars; one submission).

Conditions:
Generalized epilepsy with febrile seizures plus, type 7 (GEFSP7). Also called: GEFS+, TYPE 7. Identifiers: Orphanet 36387, MedGen C2751778, MONDO:0013470, OMIM 613863.
Neuropathy, hereditary sensory and autonomic, type 2A (HSAN2A). Also called: MORVAN DISEASE; NEUROPATHY, CONGENITAL SENSORY; NEUROPATHY, HEREDITARY SENSORY RADICULAR, AUTOSOMAL RECESSIVE; NEUROPATHY, HEREDITARY SENSORY, TYPE IIA; NEUROPATHY, PROGRESSIVE SENSORY, OF CHILDREN; ACROOSTEOLYSIS, GIACCAI TYPE. Identifiers: Orphanet 970, MedGen C2752089, MONDO:0024309, OMIM 201300.

Allele frequency attached by ClinVar (database versions not stated): gnomAD 0.00002; TOPMed 0.00002.
gnomAD v4.1: 29 of 1,613,262 alleles (0.0018%); highest among the groups gnomAD compares: Non-Finnish European, 0.0021%; no homozygotes.

Submission:

Labcorp Genetics (formerly Invitae), Labcorp
Classification: Uncertain significance for Neuropathy, hereditary sensory and autonomic, type 2A; Generalized epilepsy with febrile seizures plus, type 7. Last evaluated: 2025-10-15. Review status: criteria provided, single submitter. Criteria: Invitae Variant Classification Sherloc (09022015). Collection method: clinical testing. Allele origin: germline.
Comment: This sequence change replaces cysteine, which is neutral and slightly polar, with serine, which is neutral and polar, at codon 177 of the SCN9A protein (p.Cys177Ser). This variant is present in population databases (rs201354058, gnomAD 0.007%). This variant has not been reported in the literature in individuals affected with SCN9A-related conditions. ClinVar contains an entry for this variant (Variation ID: 951127). Invitae Evidence Modeling of protein sequence and biophysical properties (such as structural, functional, and spatial information, amino acid conservation, physicochemical variation, residue mobility, and thermodynamic stability) indicates that this missense variant is not expected to disrupt SCN9A protein function with a negative predictive value of 80%. In summary, the available evidence is currently insufficient to determine the role of this variant in disease. Therefore, it has been classified as a Variant of Uncertain Significance.